The following is an entry in ClinVar:

ClinVar aggregate classification (germline): Uncertain significance (1 of 4 stars; one submission).

Submission:

Labcorp Genetics (formerly Invitae), Labcorp
Classification: Uncertain significance. Last evaluated: 2022-06-14. Review status: criteria provided, single submitter. Criteria: Invitae Variant Classification Sherloc (09022015). Collection method: clinical testing. Allele origin: germline.
Comment: This variant has not been reported in the literature in individuals affected with RIN2-related conditions. Algorithms developed to predict the effect of missense changes on protein structure and function are either unavailable or do not agree on the potential impact of this missense change (SIFT: "Deleterious"; PolyPhen-2: "Not Available"; Align-GVGD: "Class C0"). In summary, the available evidence is currently insufficient to determine the role of this variant in disease. Therefore, it has been classified as a Variant of Uncertain Significance. This variant is not present in population databases (gnomAD no frequency). This sequence change replaces serine, which is neutral and polar, with cysteine, which is neutral and slightly polar, at codon 157 of the RIN2 protein (p.Ser157Cys).

NM_018993.4(RIN2):c.470C>G (p.Ser157Cys)

Gene: RIN2 (Ras and Rab interactor 2; plus strand). Cytogenetic location: 20p11.23.
Variant type: single nucleotide variant.
Coding change: c.470C>G on transcript NM_018993.4 (MANE Select); coding-DNA position 470, C replaced by G.
Protein change: p.Ser157Cys; replaces serine 157 with cysteine.
Molecular consequence: missense variant. On other transcripts: intron variant (1).
Genome position (GRCh38, 1-based): chr20:19,964,958, C>G. VCF-style: chr20-19964958-C-G. GRCh37 (hg19) VCF-style: chr20-19945602-C-G.
Other names: c.617C>G, p.Ser206Cys (NM_001242581.2); c.-83+4147C>G (NM_001378238.1); short protein forms S157C, S206C.
Identifiers: ClinVar variation 2006558 (VCV002006558.4), dbSNP rs2515441845, ClinGen allele CA408357621.
Genomic context (GRCh38, chr20:19,964,958, plus strand): 5'-TGTCCCAGAACGTGCTCAGGGAGAATCAGCTGGTTTCTGAAATCTCTTTTCCAGCCTTTT[C>G]CCTGGAAGGCTCAGGAATCAGTTTCGCAGATTTATTCCGGCTCATTGCTTTCTACTGCAT-3'
Protein context (NP_061866.1, residues 147-167): FAIKESTYTF[Ser157Cys]LEGSGISFAD